The following is an entry in ClinVar:

NM_000410.4(HFE):c.200G>A (p.Arg67His)

Genes: HFE (homeostatic iron regulator; plus strand), HFE-AS1 (HFE antisense RNA 1; minus strand). Cytogenetic location: 6p22.2.
Variant type: single nucleotide variant.
Coding change: c.200G>A on transcript NM_000410.4 (MANE Select); coding-DNA position 200, G replaced by A.
Protein change: p.Arg67His; replaces arginine 67 with histidine.
Molecular consequence: missense variant. On other transcripts: non-coding transcript variant (1), intron variant (4).
Genome position (GRCh38, 1-based): chr6:26,090,964, G>A. VCF-style: chr6-26090964-G-A. GRCh37 (hg19) VCF-style: chr6-26091192-G-A.
Other names: c.200G>A, p.Arg67His (NM_001300749.3, NM_001384164.1, NM_001406751.1 and 3 more transcripts); c.131G>A, p.Arg44His (NM_139009.3); c.77-350G>A (NM_139007.3, NM_139008.3); c.77-1721G>A (NM_139010.3); c.77-2155G>A (NM_139011.3); short protein forms R44H, R67H.
Identifiers: ClinVar variation 1316157 (VCV001316157.6), dbSNP rs139523708, ClinGen allele CA3666610.
Genomic context (GRCh38, chr6:26,090,964, plus strand): 5'-TTGAAGCTTTGGGCTACGTGGATGACCAGCTGTTCGTGTTCTATGATCATGAGAGTCGCC[G>A]TGTGGAGCCCCGAACTCCATGGGTTTCCAGTAGAATTTCAAGCCAGATGTGGCTGCAGCT-3'
Protein context (NP_000401.1, residues 57-77): LFVFYDHESR[Arg67His]VEPRTPWVSS

ClinVar aggregate classification (germline): Uncertain significance. Review status: criteria provided, multiple submitters, no conflicts (2 of 4 stars). 2 submissions from 2 submitters: Uncertain significance (2). Last evaluated 2025-04-17.

Conditions:
Inborn genetic diseases. Identifiers: MedGen C0950123, MeSH D030342.

Allele frequency attached by ClinVar (database versions not stated): TOPMed 0.00022; ESP Exome Variant Server 0.00023.
gnomAD v4.1: 69 of 1,614,166 alleles (0.0043%); highest among the groups gnomAD compares: African/African-American, 0.065%; no homozygotes.

Submissions (2):

GeneDx
Classification: Uncertain significance. Last evaluated: 2025-04-17. Review status: criteria provided, single submitter. Criteria: GeneDx Variant Classification Process June 2021. Collection method: clinical testing. Allele origin: germline. Affected: yes.
Comment: In silico analysis supports that this missense variant has a deleterious effect on protein structure/function; Has not been previously published as pathogenic or benign to our knowledge; This variant is associated with the following publications: (PMID: IslamM2025[Preprint])

Ambry Genetics
Classification: Uncertain significance for Inborn genetic diseases. Last evaluated: 2024-10-03. Review status: criteria provided, single submitter. Criteria: Ambry Variant Classification Scheme 2023. Collection method: clinical testing. Allele origin: germline.